The following is an entry in ClinVar:

ClinVar aggregate classification (germline): Pathogenic (1 of 4 stars; one submission).

Conditions:
Medium-chain acyl-coenzyme A dehydrogenase deficiency (ACADMD). Also called: MCAD Deficiency; CARNITINE DEFICIENCY SECONDARY TO MEDIUM-CHAIN ACYL-CoA DEHYDROGENASE DEFICIENCY; MCADH DEFICIENCY; ACADM DEFICIENCY; MCADD; Medium chain acyl-CoA dehydrogenase deficiency. Identifiers: Orphanet 42, MedGen C0220710, MONDO:0008721, OMIM 201450.

Submission:

Natera, Inc.
Classification: Pathogenic for Medium Chain Acyl-CoA Dehydrogenase Deficiency. Last evaluated: 2025-10-20. Review status: criteria provided, single submitter. Criteria: Natera Variant Classification Schema (03/2026). Collection method: clinical testing. Allele origin: germline.
Comment: The c.708+2T>C variant in ACADM is a canonical splice donor site variant predicted to affect pre-mRNA splicing, which may result in an abnormal transcript and altered protein product. This variant is expected to result in nonsense mediated decay, truncation, or a dysfunctional protein product. This variant is rare in the general population with a frequency below the threshold expected for the associated phenotype(s). Another variant at this same site results in an alteration predicted to cause a similar molecular effect has been observed in individual(s) with the associated phenotype. Given the available evidence, this variant is classified as Pathogenic.

NM_000016.6(ACADM):c.708+2T>C

Gene: ACADM (acyl-CoA dehydrogenase medium chain; plus strand). Cytogenetic location: 1p31.1.
Variant type: single nucleotide variant.
Coding change: c.708+2T>C on transcript NM_000016.6 (MANE Select); the canonical splice donor site of the intron after coding-DNA position 708, T replaced by C.
Molecular consequence: splice donor variant.
Genome position (GRCh38, 1-based): chr1:75,745,916, T>C. VCF-style: chr1-75745916-T-C. GRCh37 (hg19) VCF-style: chr1-76211601-T-C.
Other names: c.720+2T>C (NM_001127328.3); c.807+2T>C (NM_001286043.2); c.600+2T>C (NM_001286042.2); c.141+2T>C (NM_001286044.2).
Identifiers: ClinVar variation 4815905 (VCV004815905.1).
Genomic context (GRCh38, chr1:75,745,916, plus strand): 5'-AAGCCTTTACTGGATTCATTGTGGAAGCAGATACCCCAGGAATTCAGATTGGGAGAAAGG[T>C]AAAGTATTTATTAATGATTAGGGCCCCAAATATTATTTTAATTATAAATTGCAAAATTAC-3'